The following is an entry in ClinVar:

NM_000256.3(MYBPC3):c.2614G>T (p.Glu872Ter)

Gene: MYBPC3 (myosin binding protein C3; minus strand). Cytogenetic location: 11p11.2.
Variant type: single nucleotide variant.
Coding change: c.2614G>T on transcript NM_000256.3 (MANE Select); coding-DNA position 2614, G replaced by T.
Protein change: p.Glu872Ter; replaces glutamic acid 872 with a stop codon.
Molecular consequence: nonsense.
Genome position (GRCh38, 1-based): chr11:47,336,000, C>A on the plus strand (G>T on the coding strand, the complement: MYBPC3 is on the minus strand). VCF-style: chr11-47336000-C-A. GRCh37 (hg19) VCF-style: chr11-47357551-C-A.
Other names: c.2614G>T, p.Glu872Ter (LRG_386t1); short protein forms E872*.
Identifiers: ClinVar variation 619255 (VCV000619255.3), dbSNP rs190765116, ClinGen allele CA380317444.
Genomic context (GRCh38, chr11:47,336,000, plus strand): 5'-GCCGCCACTTGAGGGAGACCGTGGTGTCAGAGACGTCCTCTACTGCCAGGTGGGTGGGTT[C>A]GCTGGGGGGACCTGGGCAGAGGAGAGGTCAGAGAGGGGTCTGAGCAAGCCTGGGGAAGCT-3'

ClinVar aggregate classification (germline): Pathogenic/Likely pathogenic. Review status: criteria provided, multiple submitters, no conflicts (2 of 4 stars). 2 submissions from 2 submitters: Pathogenic (1); Likely pathogenic (1). Last evaluated 2024-01-23.

Conditions:
Cardiovascular phenotype. Identifiers: MedGen CN230736.
Hypertrophic cardiomyopathy. Also called: HYPERTROPHIC MYOCARDIOPATHY. Identifiers: Orphanet 217569, MedGen C0007194, MeSH D002312, MONDO:0005045, HP:0001639.

Submissions (2):

Ambry Genetics
Classification: Pathogenic for Cardiovascular phenotype. Last evaluated: 2024-01-23. Review status: criteria provided, single submitter. Criteria: Ambry Variant Classification Scheme 2023. Collection method: clinical testing. Allele origin: germline.
Comment: The p.E872* pathogenic mutation (also known as c.2614G>T), located in coding exon 26 of the MYBPC3 gene, results from a G to T substitution at nucleotide position 2614. This changes the amino acid from a glutamic acid to a stop codon within coding exon 26. This alteration has been reported in association with hypertrophic cardiomyopathy (HCM) (Robyns T et al. Eur J Med Genet, 2020 Mar;63:103754; Harper AR et al. Nat Genet, 2021 Feb;53:135-142). This variant is considered to be rare based on population cohorts in the Genome Aggregation Database (gnomAD). In addition to the clinical data presented in the literature, this alteration is expected to result in loss of function by premature protein truncation or nonsense-mediated mRNA decay. As such, this alteration is interpreted as a disease-causing mutation.

Center for Human Genetics, University of Leuven
Classification: Likely pathogenic for Hypertrophic cardiomyopathy. Last evaluated: 2018-10-31. Review status: criteria provided, single submitter. Criteria: ACMG Guidelines, 2015. Collection method: clinical testing. Allele origin: germline. Affected: yes.

Literature cited by the submitters: PubMed 31513939 (cited by Ambry Genetics); PubMed 33495597 (cited by Ambry Genetics).